The following is an entry in ClinVar:

ClinVar aggregate classification (germline): Uncertain significance. Review status: criteria provided, multiple submitters, no conflicts (2 of 4 stars). 3 submissions from 3 submitters: Uncertain significance (2). 1 of the submissions does not count toward it. Last evaluated 2025-02-22.

Conditions:
Dyskeratosis congenita, autosomal recessive 5 (DKCB5). Identifiers: MedGen C3554656, MONDO:0014076, OMIM 615190.
Pulmonary fibrosis and/or bone marrow failure, Telomere-related, 3. Also called: PULMONARY FIBROSIS AND/OR BONE MARROW FAILURE SYNDROME, TELOMERE-RELATED, 3. Identifiers: Orphanet 2032, MedGen C4225346, MONDO:0014613, OMIM 616373.
Inborn genetic diseases. Identifiers: MedGen C0950123, MeSH D030342.
Dyskeratosis congenita. Identifiers: Orphanet 1775, MedGen C0265965, MONDO:0015780.

Allele frequency attached by ClinVar (database versions not stated): gnomAD exomes below 0.00001; TOPMed below 0.00001; ExAC 0.00001; gnomAD 0.00001.
gnomAD v4.1: 8 of 1,611,712 alleles (0.0005%); highest among the groups gnomAD compares: East Asian, 0.0022%; no homozygotes.

Submissions (3):

Ambry Genetics
Classification: Uncertain significance for Inborn genetic diseases. Last evaluated: 2025-02-22. Review status: criteria provided, single submitter. Criteria: Ambry Variant Classification Scheme 2023. Collection method: clinical testing. Allele origin: germline.
Comment: The p.S779L variant (also known as c.2336C>T), located in coding exon 25 of the RTEL1 gene, results from a C to T substitution at nucleotide position 2336. The serine at codon 779 is replaced by leucine, an amino acid with dissimilar properties. This amino acid position is conserved. In addition, this alteration is predicted to be tolerated by in silico analysis. Based on the available evidence, the clinical significance of this variant remains unclear.

Labcorp Genetics (formerly Invitae), Labcorp
Classification: Uncertain significance for Dyskeratosis congenita, autosomal recessive 5; Pulmonary fibrosis and/or bone marrow failure, Telomere-related, 3. Last evaluated: 2022-04-17. Review status: criteria provided, single submitter. Criteria: Invitae Variant Classification Sherloc (09022015). Collection method: clinical testing. Allele origin: germline.
Comment: This sequence change replaces serine, which is neutral and polar, with leucine, which is neutral and non-polar, at codon 779 of the RTEL1 protein (p.Ser779Leu). This variant is present in population databases (rs761805038, gnomAD 0.006%). This variant has not been reported in the literature in individuals affected with RTEL1-related conditions. ClinVar contains an entry for this variant (Variation ID: 1042845). Algorithms developed to predict the effect of missense changes on protein structure and function output the following: SIFT: "Tolerated"; PolyPhen-2: "Benign"; Align-GVGD: "Class C0". The leucine amino acid residue is found in multiple mammalian species, which suggests that this missense change does not adversely affect protein function. In summary, the available evidence is currently insufficient to determine the role of this variant in disease. Therefore, it has been classified as a Variant of Uncertain Significance.

Natera, Inc.
Classification: Uncertain significance for Dyskeratosis congenita. Last evaluated: 2021-05-21. Review status: no assertion criteria provided. Collection method: clinical testing. Allele origin: germline. Not counted in ClinVar's aggregate classification.

NM_001283009.2(RTEL1):c.2336C>T (p.Ser779Leu)

Genes: RTEL1 (regulator of telomere elongation helicase 1; plus strand), RTEL1-TNFRSF6B (RTEL1-TNFRSF6B readthrough (NMD candidate); plus strand). Cytogenetic location: 20q13.33.
Variant type: single nucleotide variant.
Coding change: c.2336C>T on transcript NM_001283009.2 (MANE Select); coding-DNA position 2336, C replaced by T.
Protein change: p.Ser779Leu; replaces serine 779 with leucine.
Molecular consequence: missense variant. On other transcripts: non-coding transcript variant (1).
Genome position (GRCh38, 1-based): chr20:63,690,364, C>T. VCF-style: chr20-63690364-C-T. GRCh37 (hg19) VCF-style: chr20-62321717-C-T.
Other names: c.1667C>T, p.Ser556Leu (NM_001283010.1); c.2336C>T, p.Ser779Leu (NM_016434.4); c.2408C>T, p.Ser803Leu (NM_032957.5); short protein forms S556L, S779L, S803L.
Identifiers: ClinVar variation 1042845 (VCV001042845.4), dbSNP rs761805038, ClinGen allele CA9965288.